The following is an entry in ClinVar:

ClinVar aggregate classification (germline): Uncertain significance (1 of 4 stars; one submission).

Conditions:
Hereditary cancer-predisposing syndrome. Also called: Tumor predisposition; Neoplastic Syndromes, Hereditary; Hereditary Cancer Syndrome; Hereditary neoplastic syndrome. Identifiers: Orphanet 140162, MedGen C0027672, MeSH D009386, MONDO:0015356.

Submission:

Ambry Genetics
Classification: Uncertain significance for Hereditary cancer-predisposing syndrome. Last evaluated: 2024-12-17. Review status: criteria provided, single submitter. Criteria: Ambry Variant Classification Scheme 2023. Collection method: clinical testing. Allele origin: germline.
Comment: The p.Y123C variant (also known as c.368A>G), located in coding exon 5 of the MAX gene, results from an A to G substitution at nucleotide position 368. The tyrosine at codon 123 is replaced by cysteine, an amino acid with highly dissimilar properties. This amino acid position is highly conserved in available vertebrate species. In addition, this alteration is predicted to be tolerated by in silico analysis. Based on the available evidence, the clinical significance of this variant remains unclear.

NM_002382.5(MAX):c.368A>G (p.Tyr123Cys)

Gene: MAX (MYC associated transcriptional regulator X; minus strand). Cytogenetic location: 14q23.3.
Variant type: single nucleotide variant.
Coding change: c.368A>G on transcript NM_002382.5 (MANE Select); coding-DNA position 368, A replaced by G.
Protein change: p.Tyr123Cys; replaces tyrosine 123 with cysteine.
Molecular consequence: missense variant. On other transcripts: 3 prime UTR variant (12), non-coding transcript variant (7), intron variant (2).
Genome position (GRCh38, 1-based): chr14:65,076,591, T>C on the plus strand (A>G on the coding strand, the complement: MAX is on the minus strand). VCF-style: chr14-65076591-T-C. GRCh37 (hg19) VCF-style: chr14-65543309-T-C.
Other names: c.341A>G, p.Tyr114Cys (NM_145112.3, NM_001407095.1); c.*157A>G (NM_145113.3, NM_001407097.1, NM_001407100.1 and 4 more transcripts); c.144+17117A>G (NM_001271069.2); c.171+17117A>G (NM_197957.4); c.179A>G, p.Tyr60Cys (NM_001320415.2, NM_001407105.1, NM_001407106.1 and 1 more transcripts); c.368A>G, p.Tyr123Cys (NM_001407094.1); c.*141A>G (NM_001407096.1, NM_001407099.1, NM_001407102.1 and 2 more transcripts); c.260A>G, p.Tyr87Cys (NM_001407098.1); and 1 more; short protein forms Y87C, Y114C, Y123C, Y60C, Y56C.
Identifiers: ClinVar variation 3870813 (VCV003870813.1).